The following is an entry in ClinVar:

NM_016929.5(CLIC5):c.110G>A (p.Arg37His)

Gene: CLIC5 (chloride intracellular channel 5; minus strand). Cytogenetic location: 6p21.1.
Variant type: single nucleotide variant.
Coding change: c.110G>A on transcript NM_016929.5 (MANE Select); coding-DNA position 110, G replaced by A.
Protein change: p.Arg37His; replaces arginine 37 with histidine.
Molecular consequence: missense variant. On other transcripts: 5 prime UTR variant (1).
Genome position (GRCh38, 1-based): chr6:45,955,198, C>T on the plus strand (G>A on the coding strand, the complement: CLIC5 is on the minus strand). VCF-style: chr6-45955198-C-T. GRCh37 (hg19) VCF-style: chr6-45922935-C-T.
Other names: c.587G>A, p.Arg196His (NM_001114086.2, NM_001370650.1); c.110G>A, p.Arg37His (NM_001256023.2); c.-8G>A (NM_001370649.1); short protein forms R196H, R37H.
Identifiers: ClinVar variation 1415989 (VCV001415989.6), dbSNP rs781677091, ClinGen allele CA3836918.
Genomic context (GRCh38, chr6:45,955,198, plus strand): 5'-TTCAGATCCACAGTGGTGACATTGAACACGACTCCTTTCAGCCAGAGGATCATGAAGAGG[C>T]GCTGAGAGAAAGGACAGTTGCCGATGCTTTCTCCATCGATTCCAGCCTGGAAAGAAGAGA-3'
Protein context (NP_058625.2, residues 27-47): ESIGNCPFSQ[Arg37His]LFMILWLKGV

ClinVar aggregate classification (germline): Uncertain significance (1 of 4 stars; one submission).

Allele frequency attached by ClinVar (database versions not stated): TOPMed below 0.00001; gnomAD 0.00001; ExAC 0.00002; gnomAD exomes 0.00003.
gnomAD v4.1: 20 of 1,613,896 alleles (0.0012%); highest among the groups gnomAD compares: East Asian, 0.0045%; no homozygotes.

Submission:

Labcorp Genetics (formerly Invitae), Labcorp
Classification: Uncertain significance. Last evaluated: 2025-12-20. Review status: criteria provided, single submitter. Criteria: Invitae Variant Classification Sherloc (09022015). Collection method: clinical testing. Allele origin: germline.
Comment: This sequence change replaces arginine, which is basic and polar, with histidine, which is basic and polar, at codon 196 of the CLIC5 protein (p.Arg196His). This variant is present in population databases (rs781677091, gnomAD 0.005%). This variant has not been reported in the literature in individuals affected with CLIC5-related conditions. ClinVar contains an entry for this variant (Variation ID: 1415989). An algorithm developed to predict the effect of missense changes on protein structure and function (PolyPhen-2) suggests that this variant is likely to be disruptive. In summary, the available evidence is currently insufficient to determine the role of this variant in disease. Therefore, it has been classified as a Variant of Uncertain Significance.